The following is an entry in ClinVar:

ClinVar aggregate classification (germline): Uncertain significance. Review status: criteria provided, multiple submitters, no conflicts (2 of 4 stars). 4 submissions from 4 submitters: Uncertain significance (4). Last evaluated 2025-10-07.

Conditions:
Ehlers-Danlos syndrome, type 4 (EDSVASC). Also called: Ehlers-Danlos syndrome vascular type; Ehlers Danlos syndrome, ecchymotic type; Ehlers Danlos syndrome, arterial type; Ehlers Danlos syndrome, Sack-Barabas type; Ehlers-Danlos Syndrome Type IV. Identifiers: Orphanet 286, MedGen C0268338, MONDO:0017314, OMIM 130050.
Familial thoracic aortic aneurysm and aortic dissection (TAAD). Also called: Thoracic aortic aneurysms and dissections. Identifiers: Orphanet 91387, MedGen C4707243, MONDO:0019625.

Allele frequency attached by ClinVar (database versions not stated): TOPMed below 0.00001; gnomAD exomes 0.00001 and 0.00003; ExAC 0.00007.
gnomAD v4.1: 18 of 1,613,856 alleles (0.0011%); highest among the groups gnomAD compares: Non-Finnish European, 0.0014%; no homozygotes.

Submissions (4):

Women's Health and Genetics/Laboratory Corporation of America, LabCorp
Classification: Uncertain significance. Last evaluated: 2025-10-07. Review status: criteria provided, single submitter. Criteria: LabCorp Variant Classification Summary - May 2015. Collection method: clinical testing. Allele origin: germline.
Comment: Variant summary: COL3A1 c.2305C>T (p.Pro769Ser) results in a non-conservative amino acid change in the encoded protein sequence. Algorithms developed to predict the effect of missense changes on protein structure and function all suggest that this variant is likely to be disruptive. The variant allele was found at a frequency of 3.2e-05 in 251098 control chromosomes. The available data on variant occurrences in the general population are insufficient to allow any conclusion about variant significance. To our knowledge, no occurrence of c.2305C>T in individuals affected with COL3A1-related conditions and no experimental evidence demonstrating its impact on protein function have been reported. ClinVar contains an entry for this variant (Variation ID: 927455). Based on the evidence outlined above, the variant was classified as uncertain significance.

Labcorp Genetics (formerly Invitae), Labcorp
Classification: Uncertain significance for Ehlers-Danlos syndrome, type 4. Last evaluated: 2025-07-15. Review status: criteria provided, single submitter. Criteria: Invitae Variant Classification Sherloc (09022015). Collection method: clinical testing. Allele origin: germline.
Comment: This sequence change replaces proline, which is neutral and non-polar, with serine, which is neutral and polar, at codon 769 of the COL3A1 protein (p.Pro769Ser). This variant is present in population databases (rs746504108, gnomAD 0.006%). This variant has not been reported in the literature in individuals affected with COL3A1-related conditions. ClinVar contains an entry for this variant (Variation ID: 927455). Invitae Evidence Modeling of protein sequence and biophysical properties (such as structural, functional, and spatial information, amino acid conservation, physicochemical variation, residue mobility, and thermodynamic stability) indicates that this missense variant is not expected to disrupt COL3A1 protein function with a negative predictive value of 95%. In summary, the available evidence is currently insufficient to determine the role of this variant in disease. Therefore, it has been classified as a Variant of Uncertain Significance.

Color Diagnostics, LLC DBA Color Health
Classification: Uncertain significance for Familial thoracic aortic aneurysm and aortic dissection. Last evaluated: 2023-12-05. Review status: criteria provided, single submitter. Criteria: ACMG Guidelines, 2015. Collection method: clinical testing. Allele origin: germline.
Comment: Variant of Uncertain Significance due to insufficient evidence: This missense variant is located in the triple-helical region of the COL3A1 protein. Computational prediction tools and conservation analyses are inconclusive regarding the impact of this variant on the protein function. Computational splicing tools suggest that this variant may not impact RNA splicing. To our knowledge, functional assays have not been performed for this variant nor has this variant been reported in individuals affected with cardiovascular disorders in the literature. This variant has been identified in 8/246086 chromosomes in the general population by the Genome Aggregation Database (gnomAD). Available evidence is insufficient to determine the role of this variant in disease conclusively.

Clinical Genetics Laboratory, Skane University Hospital Lund
Classification: Uncertain significance. Last evaluated: 2023-05-11. Review status: criteria provided, single submitter. Criteria: ACMG Guidelines, 2015. Collection method: clinical testing. Allele origin: germline. Affected: yes.

NM_000090.4(COL3A1):c.2305C>T (p.Pro769Ser)

Gene: COL3A1 (collagen type III alpha 1 chain; plus strand). Cytogenetic location: 2q32.2.
Variant type: single nucleotide variant.
Coding change: c.2305C>T on transcript NM_000090.4 (MANE Select); coding-DNA position 2305, C replaced by T.
Protein change: p.Pro769Ser; replaces proline 769 with serine.
Molecular consequence: missense variant.
Genome position (GRCh38, 1-based): chr2:189,001,418, C>T. VCF-style: chr2-189001418-C-T. GRCh37 (hg19) VCF-style: chr2-189866144-C-T.
Other names: short protein forms P769S.
Identifiers: ClinVar variation 927455 (VCV000927455.8), dbSNP rs746504108, ClinGen allele CA075199.